The following is an entry in ClinVar:

NM_015338.6(ASXL1):c.250A>G (p.Lys84Glu)

Gene: ASXL1 (ASXL transcriptional regulator 1; plus strand). Cytogenetic location: 20q11.21.
Variant type: single nucleotide variant.
Coding change: c.250A>G on transcript NM_015338.6 (MANE Select); coding-DNA position 250, A replaced by G.
Protein change: p.Lys84Glu; replaces lysine 84 with glutamic acid.
Molecular consequence: missense variant.
Genome position (GRCh38, 1-based): chr20:32,369,121, A>G. VCF-style: chr20-32369121-A-G. GRCh37 (hg19) VCF-style: chr20-30956924-A-G.
Other names: c.250A>G, p.Lys84Glu (NM_001164603.1); c.220A>G, p.Lys74Glu (NM_001363734.1); short protein forms K84E, K74E.
Identifiers: ClinVar variation 5030549 (VCV005030549.1).

ClinVar aggregate classification (germline): Uncertain significance (1 of 4 stars; one submission).

Conditions:
Inborn genetic diseases. Identifiers: MedGen C0950123, MeSH D030342.

Submission:

Ambry Genetics
Classification: Uncertain significance for Inborn genetic diseases. Last evaluated: 2026-09-07. Review status: criteria provided, single submitter. Criteria: Ambry Variant Classification Scheme 2023. Collection method: clinical testing. Allele origin: germline.
Comment: The p.K84E variant (also known as c.250A>G), located in coding exon 4 of the ASXL1 gene, results from an A to G substitution at nucleotide position 250. The lysine at codon 84 is replaced by glutamic acid, an amino acid with similar properties. This amino acid position is conserved. In addition, this alteration is predicted to be deleterious by in silico analysis. Based on the available evidence, the clinical significance of this variant remains unclear.